The following is an entry in ClinVar:

ClinVar aggregate classification (germline): Uncertain significance (1 of 4 stars; one submission).

Allele frequency attached by ClinVar (database versions not stated): TOPMed 0.00001; gnomAD exomes 0.00002; ExAC 0.00003; gnomAD 0.00007; 1000 Genomes Project 30x 0.00078; 1000 Genomes Project 0.00080.
gnomAD v4.1: 33 of 1,613,004 alleles (0.002%); highest among the groups gnomAD compares: Admixed American, 0.025%; no homozygotes.

Submission:

Labcorp Genetics (formerly Invitae), Labcorp
Classification: Uncertain significance. Last evaluated: 2023-01-09. Review status: criteria provided, single submitter. Criteria: Invitae Variant Classification Sherloc (09022015). Collection method: clinical testing. Allele origin: germline.
Comment: This sequence change affects codon 980 of the PLEKHM2 mRNA. It is a 'silent' change, meaning that it does not change the encoded amino acid sequence of the PLEKHM2 protein. This variant is present in population databases (rs550032769, gnomAD 0.01%). This variant has not been reported in the literature in individuals affected with PLEKHM2-related conditions. Algorithms developed to predict the effect of sequence changes on RNA splicing suggest that this variant may create or strengthen a splice site. In summary, the available evidence is currently insufficient to determine the role of this variant in disease. Therefore, it has been classified as a Variant of Uncertain Significance.

NM_015164.4(PLEKHM2):c.2940G>A (p.Thr980=)

Gene: PLEKHM2 (pleckstrin homology and RUN domain containing M2; plus strand). Cytogenetic location: 1p36.21.
Variant type: single nucleotide variant.
Coding change: c.2940G>A on transcript NM_015164.4 (MANE Select); coding-DNA position 2940, G replaced by A.
Protein change: p.Thr980=; no amino-acid change (threonine 980 retained).
Molecular consequence: synonymous variant.
Genome position (GRCh38, 1-based): chr1:15,733,814, G>A. VCF-style: chr1-15733814-G-A. GRCh37 (hg19) VCF-style: chr1-16060309-G-A.
Other names: c.2880G>A, p.Thr960= (NM_001410755.1).
Identifiers: ClinVar variation 2201710 (VCV002201710.4), dbSNP rs550032769, ClinGen allele CA617407.
Genomic context (GRCh38, chr1:15,733,814, plus strand): 5'-GCCCTCAGTGGCCCTCATCTGTTCTCTGCACGCCCCAACACAGGTGGACCTCCCCCACAC[G>A]GCGATCCAGGAAGCCTCCAACAAGAAGAAATTCGAGGATGCCTTGAGCCTCATCCACAGC-3'
Protein context (NP_055979.2, residues 970-990): KTIYQVDLPH[Thr980=]AIQEASNKKK